The following is an entry in ClinVar:

NM_006440.5(TXNRD2):c.449+17C>T

Gene: TXNRD2 (thioredoxin reductase 2; minus strand). Cytogenetic location: 22q11.21.
Variant type: single nucleotide variant.
Coding change: c.449+17C>T on transcript NM_006440.5 (MANE Select); 17 bases into the intron after coding-DNA position 449, C replaced by T.
Molecular consequence: intron variant.
Genome position (GRCh38, 1-based): chr22:19,918,126, G>A on the plus strand (C>T on the coding strand, the complement: TXNRD2 is on the minus strand). VCF-style: chr22-19918126-G-A. GRCh37 (hg19) VCF-style: chr22-19905649-G-A.
Other names: c.446+17C>T (NM_001352300.2); c.161+17C>T (NM_001352302.2); c.359+17C>T (NM_001352301.2); c.449+17C>T (NM_001282512.3); c.353+17C>T (NM_001352303.2).
Identifiers: ClinVar variation 515653 (VCV000515653.9), dbSNP rs370505160, ClinGen allele CA10104198.

ClinVar aggregate classification (germline): Likely benign. Review status: criteria provided, multiple submitters, no conflicts (2 of 4 stars). 2 submissions from 2 submitters: Likely benign (2). Last evaluated 2025-10-25.

Conditions:
Primary dilated cardiomyopathy (DCM). Also called: Dilated Cardiomyopathy. Identifiers: Orphanet 217604, MedGen C0007193, MeSH D002311, MONDO:0005021, HP:0001644. Inheritance: Various modes of inheritance.

Allele frequency attached by ClinVar (database versions not stated): gnomAD 0.00003; TOPMed 0.00004; ESP Exome Variant Server 0.00008.
gnomAD v4.1: 61 of 1,613,088 alleles (0.0038%); highest among the groups gnomAD compares: Middle Eastern, 0.068%; no homozygotes.

Submissions (2):

Labcorp Genetics (formerly Invitae), Labcorp
Classification: Likely benign for Primary dilated cardiomyopathy. Last evaluated: 2025-10-25. Review status: criteria provided, single submitter. Criteria: Invitae Variant Classification Sherloc (09022015). Collection method: clinical testing. Allele origin: germline.

GeneDx
Classification: Likely benign. Last evaluated: 2018-02-20. Review status: criteria provided, single submitter. Criteria: GeneDx Variant Classification (06012015). Collection method: clinical testing. Allele origin: germline. Affected: yes.
Comment: This variant is considered likely benign or benign based on one or more of the following criteria: it is a conservative change, it occurs at a poorly conserved position in the protein, it is predicted to be benign by multiple in silico algorithms, and/or has population frequency not consistent with disease.